The following is an entry in ClinVar:

NM_004341.5(CAD):c.2066G>A (p.Arg689His)

Gene: CAD (carbamoyl-phosphate synthetase 2, aspartate transcarbamylase, and dihydroorotase; plus strand). Cytogenetic location: 2p23.3.
Variant type: single nucleotide variant.
Coding change: c.2066G>A on transcript NM_004341.5 (MANE Select); coding-DNA position 2066, G replaced by A.
Protein change: p.Arg689His; replaces arginine 689 with histidine.
Molecular consequence: missense variant.
Genome position (GRCh38, 1-based): chr2:27,226,559, G>A. VCF-style: chr2-27226559-G-A. GRCh37 (hg19) VCF-style: chr2-27449427-G-A.
Other names: c.1877G>A, p.Arg626His (NM_001306079.2); short protein forms R689H, R626H.
Identifiers: ClinVar variation 1471616 (VCV001471616.5), dbSNP rs879006492, ClinGen allele CA44499877.

ClinVar aggregate classification (germline): Uncertain significance (1 of 4 stars; one submission).

Allele frequency attached by ClinVar (database versions not stated): gnomAD exomes below 0.00001.

Submission:

Labcorp Genetics (formerly Invitae), Labcorp
Classification: Uncertain significance. Last evaluated: 2021-09-24. Review status: criteria provided, single submitter. Criteria: Invitae Variant Classification Sherloc (09022015). Collection method: clinical testing. Allele origin: germline.
Comment: This sequence change replaces arginine with histidine at codon 689 of the CAD protein (p.Arg689His). The arginine residue is highly conserved and there is a small physicochemical difference between arginine and histidine. This variant is not present in population databases (ExAC no frequency). This variant has not been reported in the literature in individuals with CAD-related conditions. Algorithms developed to predict the effect of missense changes on protein structure and function are either unavailable or do not agree on the potential impact of this missense change (SIFT: "Deleterious"; PolyPhen-2: "Probably Damaging"; Align-GVGD: "Class C0"). In summary, the available evidence is currently insufficient to determine the role of this variant in disease. Therefore, it has been classified as a Variant of Uncertain Significance.